The following is an entry in ClinVar:

ClinVar aggregate classification (germline): Uncertain significance (1 of 4 stars; one submission).

Conditions:
Hereditary spastic paraplegia 73. Also called: Spastic paraplegia 73, autosomal dominant. Identifiers: Orphanet 444099, MedGen C5568981, MONDO:0014568, OMIM 616282.

gnomAD v4.1: 1 of 1,613,892 alleles (0.000062%); highest among the groups gnomAD compares: Non-Finnish European, 0.000085%; no homozygotes.

Submission:

Labcorp Genetics (formerly Invitae), Labcorp
Classification: Uncertain significance for Hereditary spastic paraplegia 73. Last evaluated: 2023-04-17. Review status: criteria provided, single submitter. Criteria: Invitae Variant Classification Sherloc (09022015). Collection method: clinical testing. Allele origin: germline.
Comment: In summary, the available evidence is currently insufficient to determine the role of this variant in disease. Therefore, it has been classified as a Variant of Uncertain Significance. Advanced modeling of protein sequence and biophysical properties (such as structural, functional, and spatial information, amino acid conservation, physicochemical variation, residue mobility, and thermodynamic stability) has been performed at Invitae for this missense variant, however the output from this modeling did not meet the statistical confidence thresholds required to predict the impact of this variant on CPT1C protein function. This variant has not been reported in the literature in individuals affected with CPT1C-related conditions. This variant is not present in population databases (gnomAD no frequency). This sequence change replaces arginine, which is basic and polar, with leucine, which is neutral and non-polar, at codon 332 of the CPT1C protein (p.Arg332Leu).

NM_001199753.2(CPT1C):c.1028G>T (p.Arg343Leu)

Gene: CPT1C (carnitine palmitoyltransferase 1C; plus strand). Cytogenetic location: 19q13.33.
Variant type: single nucleotide variant.
Coding change: c.1028G>T on transcript NM_001199753.2 (MANE Select); coding-DNA position 1028, G replaced by T.
Protein change: p.Arg343Leu; replaces arginine 343 with leucine.
Molecular consequence: missense variant. On other transcripts: non-coding transcript variant (1).
Genome position (GRCh38, 1-based): chr19:49,705,972, G>T. VCF-style: chr19-49705972-G-T. GRCh37 (hg19) VCF-style: chr19-50209229-G-T.
Other names: c.995G>T, p.Arg332Leu (NM_001136052.3, NM_001378485.1, NM_001378487.1); c.1028G>T, p.Arg343Leu (NM_001199752.3, NM_001378483.1, NM_001378484.1 and 3 more transcripts); c.1094G>T, p.Arg365Leu (NM_001378482.1); short protein forms R365L, R343L, R332L.
Identifiers: ClinVar variation 2873540 (VCV002873540.3), dbSNP rs200575171, ClinGen allele CA406903449.